The following is an entry in ClinVar:

ClinVar aggregate classification (germline): Uncertain significance (1 of 4 stars; one submission).

Allele frequency attached by ClinVar (database versions not stated): gnomAD exomes below 0.00001; TOPMed below 0.00001; gnomAD 0.00001.

Submission:

Labcorp Genetics (formerly Invitae), Labcorp
Classification: Uncertain significance. Last evaluated: 2022-08-21. Review status: criteria provided, single submitter. Criteria: Invitae Variant Classification Sherloc (09022015). Collection method: clinical testing. Allele origin: germline.
Comment: This sequence change replaces alanine, which is neutral and non-polar, with threonine, which is neutral and polar, at codon 7 of the TUFM protein (p.Ala7Thr). This variant is not present in population databases (gnomAD no frequency). This variant has not been reported in the literature in individuals affected with TUFM-related conditions. Algorithms developed to predict the effect of missense changes on protein structure and function output the following: SIFT: "Tolerated"; PolyPhen-2: "Not Available"; Align-GVGD: "Class C0". The threonine amino acid residue is found in multiple mammalian species, which suggests that this missense change does not adversely affect protein function. In summary, the available evidence is currently insufficient to determine the role of this variant in disease. Therefore, it has been classified as a Variant of Uncertain Significance.

NM_003321.5(TUFM):c.19G>A (p.Ala7Thr)

Genes: TUFM (Tu translation elongation factor, mitochondrial; minus strand), LOC130058735 (ATAC-STARR-seq lymphoblastoid active region 10645; plus strand). Cytogenetic location: 16p11.2.
Variant type: single nucleotide variant.
Coding change: c.19G>A on transcript NM_003321.5 (MANE Select); coding-DNA position 19, G replaced by A.
Protein change: p.Ala7Thr; replaces alanine 7 with threonine.
Molecular consequence: missense variant.
Genome position (GRCh38, 1-based): chr16:28,846,251, C>T on the plus strand (G>A on the coding strand, the complement: TUFM is on the minus strand). VCF-style: chr16-28846251-C-T. GRCh37 (hg19) VCF-style: chr16-28857572-C-T.
Other names: c.19G>A, p.Ala7Thr (NM_001365360.2); short protein forms A7T.
Identifiers: ClinVar variation 1929944 (VCV001929944.2), dbSNP rs1473567679, ClinGen allele CA395419362.